The following is an entry in ClinVar:

NM_002485.5(NBN):c.117G>A (p.Gln39=)

Gene: NBN (nibrin; minus strand). Cytogenetic location: 8q21.3.
Variant type: single nucleotide variant.
Coding change: c.117G>A on transcript NM_002485.5 (MANE Select); coding-DNA position 117, G replaced by A.
Protein change: p.Gln39=; no amino-acid change (glutamine 39 retained).
Molecular consequence: synonymous variant. On other transcripts: 5 prime UTR variant (1).
Genome position (GRCh38, 1-based): chr8:89,982,776, C>T on the plus strand (G>A on the coding strand, the complement: NBN is on the minus strand). VCF-style: chr8-89982776-C-T. GRCh37 (hg19) VCF-style: chr8-90995004-C-T.
Other names: c.-180G>A (NM_001024688.3).
Identifiers: ClinVar variation 392289 (VCV000392289.1), dbSNP rs1057524429, ClinGen allele CA16606151.

ClinVar aggregate classification (germline): Likely benign (1 of 4 stars; one submission).

Submission:

GeneDx
Classification: Likely benign. Last evaluated: 2016-12-28. Review status: criteria provided, single submitter. Criteria: GeneDx Variant Classification (06012015). Collection method: clinical testing. Allele origin: germline. Affected: yes.
Comment: This variant is considered likely benign or benign based on one or more of the following criteria: it is a conservative change, it occurs at a poorly conserved position in the protein, it is predicted to be benign by multiple in silico algorithms, and/or has population frequency not consistent with disease.